The following is an entry in ClinVar:

ClinVar aggregate classification (germline): Likely benign (1 of 4 stars; one submission).

Allele frequency attached by ClinVar (database versions not stated): 1000 Genomes Project 30x 0.00062; 1000 Genomes Project 0.00080; ESP Exome Variant Server 0.00269; gnomAD 0.00293; gnomAD exomes 0.00317; ExAC 0.00331.
gnomAD v4.1: 5,005 of 1,613,958 alleles (0.31%); highest among the groups gnomAD compares: Non-Finnish European, 0.33%; 17 homozygotes.

Submission:

CeGaT Center for Human Genetics Tuebingen
Classification: Likely benign. Last evaluated: 2023-02-01. Review status: criteria provided, single submitter. Criteria: CeGaT Center For Human Genetics Tuebingen Variant Classification Criteria Version 2. Collection method: clinical testing. Allele origin: germline. Affected: yes. Observed: 2 variant alleles.
Comment: TLN2: BS2

NM_015059.3(TLN2):c.5876C>T (p.Thr1959Met)

Gene: TLN2 (talin 2; plus strand). Cytogenetic location: 15q22.2.
Variant type: single nucleotide variant.
Coding change: c.5876C>T on transcript NM_015059.3 (MANE Select); coding-DNA position 5876, C replaced by T.
Protein change: p.Thr1959Met; replaces threonine 1959 with methionine.
Molecular consequence: missense variant.
Genome position (GRCh38, 1-based): chr15:62,792,780, C>T. VCF-style: chr15-62792780-C-T. GRCh37 (hg19) VCF-style: chr15-63084979-C-T.
Other names: c.5876C>T, p.Thr1959Met (NM_001394547.1); short protein forms T1959M.
Identifiers: ClinVar variation 2645417 (VCV002645417.24), dbSNP rs140861754, ClinGen allele CA7600443.